The following is an entry in ClinVar:

NM_001127222.2(CACNA1A):c.3488_3489delinsAA (p.Pro1163Gln)

Gene: CACNA1A (calcium voltage-gated channel subunit alpha1 A; minus strand). Cytogenetic location: 19p13.13.
Variant type: Indel.
Coding change: c.3488_3489delinsAA on transcript NM_001127222.2 (MANE Select); coding-DNA positions 3488 to 3489, CC replaced by AA.
Protein change: p.Pro1163Gln; replaces proline 1163 with glutamine.
Molecular consequence: missense variant.
Genome position (GRCh38, 1-based): chr19:13,286,567-13,286,568, GG replaced by TT on the plus strand (CC replaced by AA on the coding strand, the reverse complement: CACNA1A is on the minus strand). VCF-style: chr19-13286567-GG-TT. GRCh37 (hg19) VCF-style: chr19-13397381-GG-TT.
Other names: c.3500_3501delinsAA, p.Pro1167Gln (NM_000068.4, NM_023035.3); c.3491_3492delCCinsAA, p.Pro1164Gln (NM_001127221.1); c.3491_3492delinsAA, p.Pro1164Gln (NM_001127221.2, NM_001174080.2); c.3491_3492delinsAA (NM_001127221.1); short protein forms P1167Q, P1163Q, P1164Q.
Identifiers: ClinVar variation 2938704 (VCV002938704.4), dbSNP rs2512856225, ClinGen allele CA2740091941.

ClinVar aggregate classification (germline): Uncertain significance. Review status: criteria provided, multiple submitters, no conflicts (2 of 4 stars). 2 submissions from 2 submitters: Uncertain significance (2). Last evaluated 2025-07-10.

Conditions:
Episodic ataxia type 2 (EA2). Also called: CEREBELLAR ATAXIA, PAROXYSMAL, ACETAZOLAMIDE-RESPONSIVE; CEREBELLOPATHY, HEREDITARY PAROXYSMAL; EPISODIC ATAXIA, NYSTAGMUS-ASSOCIATED; ACETAZOLAMIDE-RESPONSIVE HEREDITARY PAROXYSMAL CEREBELLAR ATAXIA; ATAXIA, EPISODIC, WITH NYSTAGMUS; ATAXIA, FAMILIAL PAROXYSMAL. Identifiers: Orphanet 97, MedGen C1720416, MONDO:0007163, OMIM 108500.
Developmental and epileptic encephalopathy, 42 (DEE42A). Also called: Epileptic encephalopathy, early infantile, 42; DEVELOPMENTAL AND EPILEPTIC ENCEPHALOPATHY 42A; EPILEPTIC ENCEPHALOPATHY, EARLY INFANTILE, 42A. Identifiers: MedGen C4310716, MONDO:0014917, OMIM 617106.

Submissions (2):

GeneDx
Classification: Uncertain significance. Last evaluated: 2025-07-10. Review status: criteria provided, single submitter. Criteria: GeneDx Variant Classification Process June 2021. Collection method: clinical testing. Allele origin: germline. Affected: yes.
Comment: Not observed at significant frequency in large population cohorts (gnomAD); In silico analysis supports a deleterious effect on protein structure/function; Has not been previously published as pathogenic or benign to our knowledge

Labcorp Genetics (formerly Invitae), Labcorp
Classification: Uncertain significance for Developmental and epileptic encephalopathy, 42; Episodic ataxia type 2. Last evaluated: 2023-07-16. Review status: criteria provided, single submitter. Criteria: Invitae Variant Classification Sherloc (09022015). Collection method: clinical testing. Allele origin: germline.
Comment: In summary, the available evidence is currently insufficient to determine the role of this variant in disease. Therefore, it has been classified as a Variant of Uncertain Significance. An algorithm developed to predict the effect of missense changes on protein structure and function (PolyPhen-2) suggests that this variant is likely to be disruptive. This variant has not been reported in the literature in individuals affected with CACNA1A-related conditions. Information on the frequency of this variant in the gnomAD database is not available, as this variant may be reported differently in the database. This sequence change replaces proline, which is neutral and non-polar, with glutamine, which is neutral and polar, at codon 1164 of the CACNA1A protein (p.Pro1164Gln).